The following is an entry in ClinVar:

ClinVar aggregate classification (germline): Uncertain significance (1 of 4 stars; one submission).

Conditions:
Neonatal-onset encephalopathy with rigidity and seizures. Also called: Lethal neonatal spasticity-epileptic encephalopathy syndrome. Identifiers: Orphanet 435845, MedGen C3281029, MONDO:0013784, OMIM 614498.

gnomAD v4.1: 1 of 1,585,080 alleles (0.000063%); highest among the groups gnomAD compares: Admixed American, 0.0017%; no homozygotes.

Submission:

Labcorp Genetics (formerly Invitae), Labcorp
Classification: Uncertain significance for Neonatal-onset encephalopathy with rigidity and seizures. Last evaluated: 2022-09-06. Review status: criteria provided, single submitter. Criteria: Invitae Variant Classification Sherloc (09022015). Collection method: clinical testing. Allele origin: germline.
Comment: ClinVar contains an entry for this variant (Variation ID: 1054618). This variant has not been reported in the literature in individuals affected with BRAT1-related conditions. This variant is not present in population databases (gnomAD no frequency). This sequence change replaces phenylalanine, which is neutral and non-polar, with valine, which is neutral and non-polar, at codon 812 of the BRAT1 protein (p.Phe812Val). Algorithms developed to predict the effect of missense changes on protein structure and function output the following: SIFT: "Tolerated"; PolyPhen-2: "Benign"; Align-GVGD: "Class C0". The valine amino acid residue is found in multiple mammalian species, which suggests that this missense change does not adversely affect protein function. In summary, the available evidence is currently insufficient to determine the role of this variant in disease. Therefore, it has been classified as a Variant of Uncertain Significance.

NM_152743.4(BRAT1):c.2434T>G (p.Phe812Val)

Gene: BRAT1 (BRCA1 associated ATM activator 1; minus strand). Cytogenetic location: 7p22.3.
Variant type: single nucleotide variant.
Coding change: c.2434T>G on transcript NM_152743.4 (MANE Select); coding-DNA position 2434, T replaced by G.
Protein change: p.Phe812Val; replaces phenylalanine 812 with valine.
Molecular consequence: missense variant. On other transcripts: non-coding transcript variant (1).
Genome position (GRCh38, 1-based): chr7:2,538,101, A>C on the plus strand (T>G on the coding strand, the complement: BRAT1 is on the minus strand). VCF-style: chr7-2538101-A-C. GRCh37 (hg19) VCF-style: chr7-2577735-A-C.
Other names: c.2614T>G, p.Phe872Val (NM_001350626.2); c.1909T>G, p.Phe637Val (NM_001350627.2); short protein forms F637V, F812V, F872V.
Identifiers: ClinVar variation 1054618 (VCV001054618.6), dbSNP rs757188244, ClinGen allele CA366622844.